The following is an entry in ClinVar:

ClinVar aggregate classification (germline): Uncertain significance (1 of 4 stars; one submission).

gnomAD v4.1: 1 of 1,611,852 alleles (0.000062%); highest among the groups gnomAD compares: Non-Finnish European, 0.000085%; no homozygotes.

Submission:

Labcorp Genetics (formerly Invitae), Labcorp
Classification: Uncertain significance. Last evaluated: 2023-05-04. Review status: criteria provided, single submitter. Criteria: Invitae Variant Classification Sherloc (09022015). Collection method: clinical testing. Allele origin: germline.
Comment: In summary, the available evidence is currently insufficient to determine the role of this variant in disease. Therefore, it has been classified as a Variant of Uncertain Significance. Advanced modeling of protein sequence and biophysical properties (such as structural, functional, and spatial information, amino acid conservation, physicochemical variation, residue mobility, and thermodynamic stability) performed at Invitae indicates that this missense variant is not expected to disrupt LOX protein function. This variant has not been reported in the literature in individuals affected with LOX-related conditions. This variant is not present in population databases (gnomAD no frequency). This sequence change replaces aspartic acid, which is acidic and polar, with histidine, which is basic and polar, at codon 256 of the LOX protein (p.Asp256His).

NM_002317.7(LOX):c.766G>C (p.Asp256His)

Genes: LOX (lysyl oxidase; minus strand), SRFBP1 (serum response factor binding protein 1; plus strand). Cytogenetic location: 5q23.1.
Variant type: single nucleotide variant.
Coding change: c.766G>C on transcript NM_002317.7 (MANE Select); coding-DNA position 766, G replaced by C.
Protein change: p.Asp256His; replaces aspartic acid 256 with histidine.
Molecular consequence: missense variant. On other transcripts: 5 prime UTR variant (1).
Genome position (GRCh38, 1-based): chr5:122,075,516, C>G on the plus strand (G>C on the coding strand, the complement: LOX is on the minus strand). VCF-style: chr5-122075516-C-G. GRCh37 (hg19) VCF-style: chr5-121411211-C-G.
Other names: c.76G>C, p.Asp26His (NM_001178102.2); c.-126G>C (NM_001317073.1); short protein forms D256H, D26H.
Identifiers: ClinVar variation 2795810 (VCV002795810.3), dbSNP rs2532911622, ClinGen allele CA360882255.